The following is an entry in ClinVar:

NM_000465.4(BARD1):c.1207A>C (p.Ser403Arg)

Gene: BARD1 (BRCA1 associated RING domain 1; minus strand). Cytogenetic location: 2q35.
Variant type: single nucleotide variant.
Coding change: c.1207A>C on transcript NM_000465.4 (MANE Select); coding-DNA position 1207, A replaced by C.
Protein change: p.Ser403Arg; replaces serine 403 with arginine.
Molecular consequence: missense variant. On other transcripts: non-coding transcript variant (2), intron variant (3).
Genome position (GRCh38, 1-based): chr2:214,780,667, T>G on the plus strand (A>C on the coding strand, the complement: BARD1 is on the minus strand). VCF-style: chr2-214780667-T-G. GRCh37 (hg19) VCF-style: chr2-215645391-T-G.
Other names: c.1150A>C, p.Ser384Arg (NM_001282543.2); c.159-28112A>C (NM_001282548.2); c.215+16394A>C (NM_001282545.2); c.364+11630A>C (NM_001282549.2); short protein forms S403R, S384R.
Identifiers: ClinVar variation 1478903 (VCV001478903.11), dbSNP rs1060501286, ClinGen allele CA350453729.

ClinVar aggregate classification (germline): Uncertain significance. Review status: criteria provided, multiple submitters, no conflicts (2 of 4 stars). 2 submissions from 2 submitters: Uncertain significance (2). Last evaluated 2021-05-17.

Conditions:
Hereditary cancer-predisposing syndrome. Also called: Tumor predisposition; Hereditary Cancer Syndrome; Hereditary neoplastic syndrome; Neoplastic Syndromes, Hereditary. Identifiers: Orphanet 140162, MedGen C0027672, MeSH D009386, MONDO:0015356.
Familial cancer of breast. Also called: hereditary breast carcinoma; Hereditary breast cancer; BREAST CANCER, FAMILIAL. Identifiers: Orphanet 227535, MedGen C0346153, MONDO:0016419, OMIM 114480. Disease mechanism: loss of function.

Submissions (2):

Labcorp Genetics (formerly Invitae), Labcorp
Classification: Uncertain significance for Familial cancer of breast. Last evaluated: 2021-05-17. Review status: criteria provided, single submitter. Criteria: Invitae Variant Classification Sherloc (09022015). Collection method: clinical testing. Allele origin: germline.
Comment: In summary, the available evidence is currently insufficient to determine the role of this variant in disease. Therefore, it has been classified as a Variant of Uncertain Significance. Algorithms developed to predict the effect of missense changes on protein structure and function output the following: SIFT: "Tolerated"; PolyPhen-2: "Benign"; Align-GVGD: "Class C0". The arginine amino acid residue is found in multiple mammalian species, suggesting that this missense change does not adversely affect protein function. These predictions have not been confirmed by published functional studies and their clinical significance is uncertain. This variant has not been reported in the literature in individuals with BARD1-related conditions. This variant is not present in population databases (ExAC no frequency). This sequence change replaces serine with arginine at codon 403 of the BARD1 protein (p.Ser403Arg). The serine residue is weakly conserved and there is a moderate physicochemical difference between serine and arginine.

Ambry Genetics
Classification: Uncertain significance for Hereditary cancer-predisposing syndrome. Last evaluated: 2020-05-26. Review status: criteria provided, single submitter. Criteria: Ambry Variant Classification Scheme 2023. Collection method: clinical testing. Allele origin: germline.
Comment: The p.S403R variant (also known as c.1207A>C), located in coding exon 4 of the BARD1 gene, results from an A to C substitution at nucleotide position 1207. The serine at codon 403 is replaced by arginine, an amino acid with dissimilar properties. This amino acid position is not well conserved in available vertebrate species, and arginine is the reference amino acid in other vertebrate species. In addition, this alteration is predicted to be tolerated by in silico analysis. Since supporting evidence is limited at this time, the clinical significance of this alteration remains unclear.